The following is an entry in ClinVar:

ClinVar aggregate classification (germline): Uncertain significance (1 of 4 stars; one submission).

Conditions:
Gamma-aminobutyric acid transaminase deficiency (GABATD). Also called: GABA aminotransaminase deficiency; GABA transaminase deficiency; Gamma aminobutyrate transaminase deficiency; 4 alpha aminobutyrate transaminase deficiency. Identifiers: Orphanet 2066, MedGen C0342708, MONDO:0013166, OMIM 613163.

Allele frequency attached by ClinVar (database versions not stated): gnomAD 0.00001; TOPMed 0.00001; ExAC 0.00002; gnomAD exomes 0.00002.
gnomAD v4.1: 24 of 1,614,084 alleles (0.0015%); highest among the groups gnomAD compares: Non-Finnish European, 0.002%; no homozygotes.

Submission:

Labcorp Genetics (formerly Invitae), Labcorp
Classification: Uncertain significance for Gamma-aminobutyric acid transaminase deficiency. Last evaluated: 2023-08-10. Review status: criteria provided, single submitter. Criteria: Invitae Variant Classification Sherloc (09022015). Collection method: clinical testing. Allele origin: germline.
Comment: This sequence change replaces isoleucine, which is neutral and non-polar, with valine, which is neutral and non-polar, at codon 245 of the ABAT protein (p.Ile245Val). This variant is present in population databases (rs775296444, gnomAD 0.003%). This variant has not been reported in the literature in individuals affected with ABAT-related conditions. ClinVar contains an entry for this variant (Variation ID: 2081414). Advanced modeling of protein sequence and biophysical properties (such as structural, functional, and spatial information, amino acid conservation, physicochemical variation, residue mobility, and thermodynamic stability) performed at Invitae indicates that this missense variant is not expected to disrupt ABAT protein function. In summary, the available evidence is currently insufficient to determine the role of this variant in disease. Therefore, it has been classified as a Variant of Uncertain Significance.

NM_020686.6(ABAT):c.733A>G (p.Ile245Val)

Gene: ABAT (4-aminobutyrate aminotransferase; plus strand). Cytogenetic location: 16p13.2.
Variant type: single nucleotide variant.
Coding change: c.733A>G on transcript NM_020686.6 (MANE Select); coding-DNA position 733, A replaced by G.
Protein change: p.Ile245Val; replaces isoleucine 245 with valine.
Molecular consequence: missense variant.
Genome position (GRCh38, 1-based): chr16:8,768,890, A>G. VCF-style: chr16-8768890-A-G. GRCh37 (hg19) VCF-style: chr16-8862747-A-G.
Other names: c.733A>G, p.Ile245Val (NM_000663.5, NM_001127448.2, NM_001386600.1 and 7 more transcripts); c.670A>G, p.Ile224Val (NM_001386606.1, NM_001386607.1); c.640A>G, p.Ile214Val (NM_001386608.1); c.598A>G, p.Ile200Val (NM_001386610.1, NM_001386611.1); c.535A>G, p.Ile179Val (NM_001386612.1, NM_001386613.1); c.487A>G, p.Ile163Val (NM_001386614.1); c.829A>G, p.Ile277Val (NM_001386615.1); short protein forms I163V, I179V, I200V, I277V, I214V, I224V, I245V.
Identifiers: ClinVar variation 2081414 (VCV002081414.2), dbSNP rs775296444, ClinGen allele CA7893274.